The following is an entry in ClinVar:

ClinVar aggregate classification (germline): Likely benign (1 of 4 stars; one submission).

Allele frequency attached by ClinVar (database versions not stated): gnomAD 0.00012; ExAC 0.00023.

Submission:

CeGaT Center for Human Genetics Tuebingen
Classification: Likely benign. Last evaluated: 2023-08-01. Review status: criteria provided, single submitter. Criteria: CeGaT Center For Human Genetics Tuebingen Variant Classification Criteria Version 2. Collection method: clinical testing. Allele origin: germline. Affected: yes. Observed: 1 variant allele.
Comment: MUC4: BP4, BP7

NM_018406.7(MUC4):c.8277C>G (p.Ser2759=)

Gene: MUC4 (mucin 4, cell surface associated). Cytogenetic location: 3q29.
Variant type: single nucleotide variant.
Coding change: c.8277C>G on transcript NM_018406.7 (MANE Select); coding-DNA position 8277, C replaced by G.
Protein change: p.Ser2759=; no amino-acid change (serine 2759 retained).
Molecular consequence: synonymous variant. On other transcripts: genic upstream transcript variant (2).
Genome position (GRCh38, 1-based): chr3:195,783,303, G>C on the plus strand (C>G on the coding strand, the complement: MUC4 is on the minus strand). VCF-style: chr3-195783303-G-C. GRCh37 (hg19) VCF-style: chr3-195510174-G-C.
Other names: c.12036C>G, p.Ser4012= (NM_001322468.1); c.83-8998C>G (NM_138297.5); c.83-4848C>G (NM_004532.6).
Identifiers: ClinVar variation 2654449 (VCV002654449.24), dbSNP rs776279976, ClinGen allele CA2771697.
Genomic context (GRCh38, chr3:195,783,303, plus strand): 5'-TGTGGATACTGAGGAAGTGTTGGTGACAGGAAGAGGGGTGGCGTGACCTGTGGATGCTGA[G>C]GAAGTGTCGGTGACAGGAAGAGGGGTGGTGTCACCTGTGGATACTGAGGAAGTCTCGGTG-3'
Protein context (NP_060876.5, residues 2749-2769): DTTPLPVTDT[Ser2759=]SASTGHATPL